The following is an entry in ClinVar:

ClinVar aggregate classification (germline): Pathogenic (1 of 4 stars; one submission).

Conditions:
Congenital myopathy with fiber type disproportion. Also called: Congenital fiber-type disproportion; Congenital fiber-type disproportion myopathy. Identifiers: Orphanet 2020, MedGen C0546264, MONDO:0009711. Inheritance: all.
Congenital myopathy 4B, autosomal recessive. Also called: Nemaline myopathy 1, autosomal dominant or recessive. Identifiers: Orphanet 171433, Orphanet 171439, Orphanet 171881, MedGen C5829889, MONDO:0012239, OMIM 609284.

Submission:

Labcorp Genetics (formerly Invitae), Labcorp
Classification: Pathogenic for Congenital myopathy with fiber type disproportion; Congenital myopathy 4B, autosomal recessive. Last evaluated: 2023-01-05. Review status: criteria provided, single submitter. Criteria: Invitae Variant Classification Sherloc (09022015). Collection method: clinical testing. Allele origin: germline.
Comment: For these reasons, this variant has been classified as Pathogenic. A similar copy number variant has been observed in individual(s) with autosomal recessive nemaline myopathy (PMID: 27858751). This variant is a gross deletion of the genomic region encompassing exon(s) 1-2 of the TPM3 gene, which includes the initiator codon. This deletion extends beyond the assayed region for this gene and therefore may encompass additional genes. It is expected to result in an absent or disrupted protein product. Loss-of-function variants in TPM3 are known to be pathogenic (PMID: 10619715, 27858751).

Literature cited by the submitters: PubMed 27858751; PubMed 10619715.

NC_000001.10:g.(?_154163642)_(154164494_?)del

Gene: TPM3 (tropomyosin 3; minus strand). Cytogenetic location: 1q21.3.
Variant type: Deletion.
Identifiers: ClinVar variation 1412784 (VCV001412784.8).